The following is an entry in ClinVar:

NM_181078.3(IL21R):c.581C>T (p.Ser194Leu)

Gene: IL21R (interleukin 21 receptor; plus strand). Cytogenetic location: 16p12.1.
Variant type: single nucleotide variant.
Coding change: c.581C>T on transcript NM_181078.3 (MANE Select); coding-DNA position 581, C replaced by T.
Protein change: p.Ser194Leu; replaces serine 194 with leucine.
Molecular consequence: missense variant.
Genome position (GRCh38, 1-based): chr16:27,444,615, C>T. VCF-style: chr16-27444615-C-T. GRCh37 (hg19) VCF-style: chr16-27455936-C-T.
Other names: c.647C>T (NM_181079.4); c.581C>T, p.Ser194Leu (NM_021798.4); c.647C>T, p.Ser216Leu (NM_181079.5); short protein forms S216L, S194L.
Identifiers: ClinVar variation 1472172 (VCV001472172.9), dbSNP rs374130131, ClinGen allele CA7975014.

ClinVar aggregate classification (germline): Uncertain significance. Review status: criteria provided, multiple submitters, no conflicts (2 of 4 stars). 2 submissions from 2 submitters: Uncertain significance (2). Last evaluated 2025-06-02.

Conditions:
Cryptosporidiosis-chronic cholangitis-liver disease syndrome. Also called: IL21R immunodeficiency; Immunodeficiency type 56. Identifiers: Orphanet 357329, MedGen C3554687, MONDO:0014082, OMIM 615207.
Inborn genetic diseases. Identifiers: MedGen C0950123, MeSH D030342.

Allele frequency attached by ClinVar (database versions not stated): gnomAD 0.00001 and 0.00003; TOPMed 0.00001; gnomAD exomes 0.00002 and 0.00003; ESP Exome Variant Server 0.00008.
gnomAD v4.1: 41 of 1,587,370 alleles (0.0026%); highest among the groups gnomAD compares: South Asian, 0.024%; no homozygotes.

Submissions (2):

Labcorp Genetics (formerly Invitae), Labcorp
Classification: Uncertain significance for Cryptosporidiosis-chronic cholangitis-liver disease syndrome. Last evaluated: 2025-06-02. Review status: criteria provided, single submitter. Criteria: Invitae Variant Classification Sherloc (09022015). Collection method: clinical testing. Allele origin: germline.
Comment: This sequence change replaces serine, which is neutral and polar, with leucine, which is neutral and non-polar, at codon 194 of the IL21R protein (p.Ser194Leu). This variant is present in population databases (rs374130131, gnomAD 0.01%). This variant has not been reported in the literature in individuals affected with IL21R-related conditions. ClinVar contains an entry for this variant (Variation ID: 1472172). Invitae Evidence Modeling of protein sequence and biophysical properties (such as structural, functional, and spatial information, amino acid conservation, physicochemical variation, residue mobility, and thermodynamic stability) indicates that this missense variant is expected to disrupt IL21R protein function with a positive predictive value of 80%. In summary, the available evidence is currently insufficient to determine the role of this variant in disease. Therefore, it has been classified as a Variant of Uncertain Significance.

Ambry Genetics
Classification: Uncertain significance for Inborn genetic diseases. Last evaluated: 2024-09-30. Review status: criteria provided, single submitter. Criteria: Ambry Variant Classification Scheme 2023. Collection method: clinical testing. Allele origin: germline.